The following is an entry in ClinVar:

ClinVar aggregate classification (germline): Uncertain significance (1 of 4 stars; one submission).

Conditions:
Neuronal ceroid lipofuscinosis. Also called: Neuronal Ceroid Lipofuscinoses. Identifiers: Orphanet 216, Orphanet 79263, MedGen C0027877, MONDO:0016295. Disease mechanism: loss of function.

Submission:

Labcorp Genetics (formerly Invitae), Labcorp
Classification: Uncertain significance for Neuronal ceroid lipofuscinosis. Last evaluated: 2022-08-13. Review status: criteria provided, single submitter. Criteria: Invitae Variant Classification Sherloc (09022015). Collection method: clinical testing. Allele origin: germline.
Comment: This sequence change replaces phenylalanine, which is neutral and non-polar, with tyrosine, which is neutral and polar, at codon 49 of the CLN6 protein (p.Phe49Tyr). This variant is not present in population databases (gnomAD no frequency). This variant has not been reported in the literature in individuals affected with CLN6-related conditions. Algorithms developed to predict the effect of missense changes on protein structure and function are either unavailable or do not agree on the potential impact of this missense change (SIFT: "Deleterious"; PolyPhen-2: "Benign"; Align-GVGD: "Class C0"). In summary, the available evidence is currently insufficient to determine the role of this variant in disease. Therefore, it has been classified as a Variant of Uncertain Significance.

NM_017882.3(CLN6):c.146T>A (p.Phe49Tyr)

Gene: CLN6 (CLN6 transmembrane ER protein; minus strand). Cytogenetic location: 15q23.
Variant type: single nucleotide variant.
Coding change: c.146T>A on transcript NM_017882.3 (MANE Select); coding-DNA position 146, T replaced by A.
Protein change: p.Phe49Tyr; replaces phenylalanine 49 with tyrosine.
Molecular consequence: missense variant.
Genome position (GRCh38, 1-based): chr15:68,218,588, A>T on the plus strand (T>A on the coding strand, the complement: CLN6 is on the minus strand). VCF-style: chr15-68218588-A-T. GRCh37 (hg19) VCF-style: chr15-68510926-A-T.
Other names: c.242T>A, p.Phe81Tyr (NM_001411068.1); short protein forms F49Y, F81Y.
Identifiers: ClinVar variation 2110951 (VCV002110951.1), dbSNP rs2505421798, ClinGen allele CA392975682.